The following is an entry in ClinVar:

NM_014339.7(IL17RA):c.1934C>T (p.Ala645Val)

Gene: IL17RA (interleukin 17 receptor A; plus strand). Cytogenetic location: 22q11.1.
Variant type: single nucleotide variant.
Coding change: c.1934C>T on transcript NM_014339.7 (MANE Select); coding-DNA position 1934, C replaced by T.
Protein change: p.Ala645Val; replaces alanine 645 with valine.
Molecular consequence: missense variant.
Genome position (GRCh38, 1-based): chr22:17,109,153, C>T. VCF-style: chr22-17109153-C-T. GRCh37 (hg19) VCF-style: chr22-17590043-C-T.
Other names: c.1832C>T, p.Ala611Val (NM_001289905.2); c.1934C>T (NM_014339.5); short protein forms A611V, A645V.
Identifiers: ClinVar variation 855839 (VCV000855839.8), dbSNP rs755655195, ClinGen allele CA10086882.

ClinVar aggregate classification (germline): Uncertain significance. Review status: criteria provided, multiple submitters, no conflicts (2 of 4 stars). 2 submissions from 2 submitters: Uncertain significance (2). Last evaluated 2025-06-09.

Conditions:
Immunodeficiency 51 (IMD51). Also called: CANDIDIASIS, FAMILIAL, 5. Identifiers: Orphanet 1334, MedGen C4310803, MONDO:0013500, OMIM 613953.

Allele frequency attached by ClinVar (database versions not stated): gnomAD exomes 0.00001; gnomAD 0.00005 and 0.00006; TOPMed 0.00007; ExAC 0.00010.
gnomAD v4.1: 16 of 1,533,732 alleles (0.001%); highest among the groups gnomAD compares: African/African-American, 0.021%; no homozygotes.

Submissions (2):

Ambry Genetics
Classification: Uncertain significance. Last evaluated: 2025-06-09. Review status: criteria provided, single submitter. Criteria: Ambry Variant Classification Scheme 2023. Collection method: clinical testing. Allele origin: germline.

Labcorp Genetics (formerly Invitae), Labcorp
Classification: Uncertain significance for Immunodeficiency 51. Last evaluated: 2021-09-02. Review status: criteria provided, single submitter. Criteria: Invitae Variant Classification Sherloc (09022015). Collection method: clinical testing. Allele origin: germline.
Comment: This sequence change replaces alanine with valine at codon 645 of the IL17RA protein (p.Ala645Val). The alanine residue is weakly conserved and there is a small physicochemical difference between alanine and valine. While this variant is present in population databases (rs755655195), the frequency information is unreliable, as metrics indicate poor data quality at this position in the ExAC database. This variant has not been reported in the literature in individuals affected with IL17RA-related conditions. Algorithms developed to predict the effect of missense changes on protein structure and function (SIFT, PolyPhen-2, Align-GVGD) all suggest that this variant is likely to be tolerated. In summary, the available evidence is currently insufficient to determine the role of this variant in disease. Therefore, it has been classified as a Variant of Uncertain Significance.